The following is an entry in ClinVar:

NM_005263.5(GFI1):c.455G>A (p.Gly152Asp)

Gene: GFI1 (growth factor independent 1 transcriptional repressor; minus strand). Cytogenetic location: 1p22.1.
Variant type: single nucleotide variant.
Coding change: c.455G>A on transcript NM_005263.5 (MANE Select); coding-DNA position 455, G replaced by A.
Protein change: p.Gly152Asp; replaces glycine 152 with aspartic acid.
Molecular consequence: missense variant.
Genome position (GRCh38, 1-based): chr1:92,480,932, C>T on the plus strand (G>A on the coding strand, the complement: GFI1 is on the minus strand). VCF-style: chr1-92480932-C-T. GRCh37 (hg19) VCF-style: chr1-92946489-C-T.
Other names: c.455G>A, p.Gly152Asp (NM_001127215.3, NM_001127216.3); short protein forms G152D.
Identifiers: ClinVar variation 4843284 (VCV004843284.1).

ClinVar aggregate classification (germline): Uncertain significance (1 of 4 stars; one submission).

Submission:

Ambry Genetics
Classification: Uncertain significance. Last evaluated: 2025-12-28. Review status: criteria provided, single submitter. Criteria: Ambry Variant Classification Scheme 2023. Collection method: clinical testing. Allele origin: germline.
Comment: The p.G152D variant (also known as c.455G>A), located in coding exon 3 of the GFI1 gene, results from a G to A substitution at nucleotide position 455. The glycine at codon 152 is replaced by aspartic acid, an amino acid with similar properties. This amino acid position is conserved. In addition, this alteration is predicted to be tolerated by in silico analysis. Based on the available evidence, the clinical significance of this variant remains unclear.